The following is an entry in ClinVar:

NM_001040108.2(MLH3):c.1013T>C (p.Phe338Ser)

Gene: MLH3 (mutL homolog 3; minus strand). Cytogenetic location: 14q24.3.
Variant type: single nucleotide variant.
Coding change: c.1013T>C on transcript NM_001040108.2 (MANE Select); coding-DNA position 1013, T replaced by C.
Protein change: p.Phe338Ser; replaces phenylalanine 338 with serine.
Molecular consequence: missense variant.
Genome position (GRCh38, 1-based): chr14:75,048,643, A>G on the plus strand (T>C on the coding strand, the complement: MLH3 is on the minus strand). VCF-style: chr14-75048643-A-G. GRCh37 (hg19) VCF-style: chr14-75515346-A-G.
Other names: c.1013T>C, p.Phe338Ser (NM_014381.3); short protein forms F338S.
Identifiers: ClinVar variation 4108623 (VCV004108623.1).
Genomic context (GRCh38, chr14:75,048,643, plus strand): 5'-GATAATTCCACAAATAATTTTTCTTGCTTTAAAAACATTTTCACTCCTTCCTGAATGCAA[A>G]ACAAGAGAGTGTCCCAGTTCTGAAATTCAATCAGAGTTTTGGCTGGCTCCATGCACACAT-3'
Protein context (NP_001035197.1, residues 328-348): IEFQNWDTLL[Phe338Ser]CIQEGVKMFL

ClinVar aggregate classification (germline): Uncertain significance (1 of 4 stars; one submission).

Submission:

Ambry Genetics
Classification: Uncertain significance. Last evaluated: 2025-06-25. Review status: criteria provided, single submitter. Criteria: Ambry Variant Classification Scheme 2023. Collection method: clinical testing. Allele origin: germline.
Comment: The p.F338S variant (also known as c.1013T>C), located in coding exon 1 of the MLH3 gene, results from a T to C substitution at nucleotide position 1013. The phenylalanine at codon 338 is replaced by serine, an amino acid with highly dissimilar properties. This amino acid position is conserved. In addition, this alteration is predicted to be tolerated by in silico analysis. Based on the available evidence, the clinical significance of this variant remains unclear.